The following is an entry in ClinVar:

ClinVar aggregate classification (germline): Likely pathogenic (1 of 4 stars; one submission).

Conditions:
Phenylketonuria (PKU). Also called: Phenylketonurias; FOLLING DISEASE; Phenylketonuria (PKU); OLIGOPHRENIA PHENYLPYRUVICA. Identifiers: Orphanet 716, MedGen C0031485, MONDO:0009861, OMIM 261600. Disease mechanism: loss of function.

Submission:

Myriad Genetics, Inc.
Classification: Likely pathogenic for Phenylketonuria. Last evaluated: 2022-03-02. Review status: criteria provided, single submitter. Criteria: Myriad Women's Health Autosomal Recessive and X-Linked Classification Criteria (2021). Collection method: clinical testing. Allele origin: unknown.
Comment: NM_000277.1(PAH):c.337A>T(K113*) is expected to be pathogenic in the context of phenylalanine hydroxylase deficiency. This variant is predicted to lead to an abnormal or absent protein product due to the creation of a premature termination codon in PAH, a gene where loss-of-function variants are known to be pathogenic. Please note: this variant was assessed in the context of healthy population screening.

NM_000277.3(PAH):c.337A>T (p.Lys113Ter)

Gene: PAH (phenylalanine hydroxylase; minus strand). Cytogenetic location: 12q23.2.
Variant type: single nucleotide variant.
Coding change: c.337A>T on transcript NM_000277.3 (MANE Select); coding-DNA position 337, A replaced by T.
Protein change: p.Lys113Ter; replaces lysine 113 with a stop codon.
Molecular consequence: nonsense.
Genome position (GRCh38, 1-based): chr12:102,894,750, T>A on the plus strand (A>T on the coding strand, the complement: PAH is on the minus strand). VCF-style: chr12-102894750-T-A. GRCh37 (hg19) VCF-style: chr12-103288528-T-A.
Other names: c.337A>T, p.Lys113Ter (NM_001354304.2); short protein forms K113*.
Identifiers: ClinVar variation 1724885 (VCV001724885.2), dbSNP rs1331306772, ClinGen allele CA386303955.